The following is an entry in ClinVar:

ClinVar aggregate classification (germline): Likely benign (0 of 4 stars; one submission).

Conditions:
CAST-related disorder. Also called: CAST-related condition.

Allele frequency attached by ClinVar (database versions not stated): ExAC 0.00002; gnomAD 0.00002; ESP Exome Variant Server 0.00008.
gnomAD v4.1: 16 of 1,612,918 alleles (0.00099%); highest among the groups gnomAD compares: Middle Eastern, 0.033%; no homozygotes.

Submission:

PreventionGenetics, part of Exact Sciences
Classification: Likely benign for CAST-related condition. Last evaluated: 2022-07-25. Review status: no assertion criteria provided. Collection method: clinical testing. Allele origin: germline.
Comment: This variant is classified as likely benign based on ACMG/AMP sequence variant interpretation guidelines (Richards et al. 2015 PMID: 25741868, with internal and published modifications).

NM_001750.7(CAST):c.1461G>A (p.Ser487=)

Gene: CAST (calpastatin; plus strand). Cytogenetic location: 5q15.
Variant type: single nucleotide variant.
Coding change: c.1461G>A on transcript NM_001750.7 (MANE Select); coding-DNA position 1461, G replaced by A.
Protein change: p.Ser487=; no amino-acid change (serine 487 retained).
Molecular consequence: synonymous variant. On other transcripts: non-coding transcript variant (1).
Genome position (GRCh38, 1-based): chr5:96,750,619, G>A. VCF-style: chr5-96750619-G-A. GRCh37 (hg19) VCF-style: chr5-96086323-G-A.
Other names: c.1338G>A, p.Ser446= (NM_001042440.5, NM_001330627.2); c.1404G>A, p.Ser468= (NM_001042441.3); c.1395G>A, p.Ser465= (NM_001042442.3, NM_001329966.1); c.1212G>A, p.Ser404= (NM_001042443.3, NM_001423250.1); c.1089G>A, p.Ser363= (NM_001042444.3, NM_001284212.4); c.1107G>A, p.Ser369= (NM_001042445.3, NM_001423255.1, NM_001423256.1 and 3 more transcripts); c.1050G>A, p.Ser350= (NM_001042446.3, NM_001330630.2, NM_001423260.1); c.1173G>A, p.Ser391= (NM_001190442.2, NM_001330631.2, NM_001423251.1 and 1 more transcripts); and 8 more.
Identifiers: ClinVar variation 3045722 (VCV003045722.2), dbSNP rs371823208, ClinGen allele CA3351345.
Genomic context (GRCh38, chr5:96,750,619, plus strand): 5'-TATTGAGAGTACTTGTGTCTTTCCTCAGGAATCTAAGGCCGCTGCTCCAGCTCCTGTGTC[G>A]GAGGCTGTGTGTCGGACCTCCATGTGTAGTATACAGTCAGCACCCCCTGAGCCGGCTACC-3'
Protein context (NP_001741.4, residues 477-497): ESKAAAPAPV[Ser487=]EAVCRTSMCS